The following is an entry in ClinVar:

NM_000748.3(CHRNB2):c.149C>T (p.Thr50Ile)

Gene: CHRNB2 (cholinergic receptor nicotinic beta 2 subunit; plus strand). Cytogenetic location: 1q21.3.
Variant type: single nucleotide variant.
Coding change: c.149C>T on transcript NM_000748.3 (MANE Select); coding-DNA position 149, C replaced by T.
Protein change: p.Thr50Ile; replaces threonine 50 with isoleucine.
Molecular consequence: missense variant.
Genome position (GRCh38, 1-based): chr1:154,569,546, C>T. VCF-style: chr1-154569546-C-T. GRCh37 (hg19) VCF-style: chr1-154542022-C-T.
Other names: short protein forms T50I.
Identifiers: ClinVar variation 590195 (VCV000590195.12), dbSNP rs762363770, ClinGen allele CA1130640.

ClinVar aggregate classification (germline): Uncertain significance. Review status: criteria provided, multiple submitters, no conflicts (2 of 4 stars). 2 submissions from 2 submitters: Uncertain significance (2). Last evaluated 2025-01-28.

Conditions:
Familial sleep-related hypermotor epilepsy. Also called: Autosomal Dominant Sleep-Related Hypermotor (Hyperkinetic) Epilepsy. Identifiers: Orphanet 98784, MedGen C3696898, MONDO:0000030.
Inborn genetic diseases. Identifiers: MedGen C0950123, MeSH D030342.

Allele frequency attached by ClinVar (database versions not stated): gnomAD 0.00001; gnomAD exomes 0.00001; TOPMed 0.00001; ExAC 0.00001.

Submissions (2):

Ambry Genetics
Classification: Uncertain significance for Inborn genetic diseases. Last evaluated: 2025-01-28. Review status: criteria provided, single submitter. Criteria: Ambry Variant Classification Scheme 2023. Collection method: clinical testing. Allele origin: germline.

Labcorp Genetics (formerly Invitae), Labcorp
Classification: Uncertain significance. Last evaluated: 2024-12-16. Review status: criteria provided, single submitter. Criteria: Invitae Variant Classification Sherloc (09022015). Collection method: clinical testing. Allele origin: germline.
Comment: This sequence change replaces threonine, which is neutral and polar, with isoleucine, which is neutral and non-polar, at codon 50 of the CHRNB2 protein (p.Thr50Ile). This variant is present in population databases (rs762363770, gnomAD 0.002%). This variant has not been reported in the literature in individuals affected with CHRNB2-related conditions. ClinVar contains an entry for this variant (Variation ID: 590195). Invitae Evidence Modeling of protein sequence and biophysical properties (such as structural, functional, and spatial information, amino acid conservation, physicochemical variation, residue mobility, and thermodynamic stability) indicates that this missense variant is not expected to disrupt CHRNB2 protein function with a negative predictive value of 80%. In summary, the available evidence is currently insufficient to determine the role of this variant in disease. Therefore, it has been classified as a Variant of Uncertain Significance.